The following is an entry in ClinVar:

NM_001130009.3(GEN1):c.119C>G (p.Thr40Arg)

Gene: GEN1 (GEN1 Holliday junction 5' flap endonuclease; plus strand). Cytogenetic location: 2p24.2.
Variant type: single nucleotide variant.
Coding change: c.119C>G on transcript NM_001130009.3 (MANE Select); coding-DNA position 119, C replaced by G.
Protein change: p.Thr40Arg; replaces threonine 40 with arginine.
Molecular consequence: missense variant.
Genome position (GRCh38, 1-based): chr2:17,760,062, C>G. VCF-style: chr2-17760062-C-G. GRCh37 (hg19) VCF-style: chr2-17941329-C-G.
Other names: c.119C>G, p.Thr40Arg (NM_182625.5); short protein forms T40R.
Identifiers: ClinVar variation 3853461 (VCV003853461.1).
Genomic context (GRCh38, chr2:17,760,062, plus strand): 5'-GTAATCTTGGTGGGAAAACCATTGCAGTTGATCTGAGTCTCTGGGTGTGTGAGGCACAGA[C>G]AGTCAAAAAAATGATGGGCAGCGTCATGAAGCCCCACCTCAGGTATAGTAAAAGCTCTTA-3'
Protein context (NP_001123481.3, residues 30-50): DLSLWVCEAQ[Thr40Arg]VKKMMGSVMK

ClinVar aggregate classification (germline): Uncertain significance (1 of 4 stars; one submission).

gnomAD v4.1: 8 of 1,613,862 alleles (0.0005%); highest among the groups gnomAD compares: African/African-American, 0.0067%; no homozygotes.

Submission:

Ambry Genetics
Classification: Uncertain significance. Last evaluated: 2024-12-26. Review status: criteria provided, single submitter. Criteria: Ambry Variant Classification Scheme 2023. Collection method: clinical testing. Allele origin: germline.
Comment: The p.T40R variant (also known as c.119C>G), located in coding exon 1 of the GEN1 gene, results from a C to G substitution at nucleotide position 119. The threonine at codon 40 is replaced by arginine, an amino acid with similar properties. This amino acid position is conserved. In addition, this alteration is predicted to be tolerated by in silico analysis. Based on the available evidence, the clinical significance of this variant remains unclear.